The following is an entry in ClinVar:

ClinVar aggregate classification (germline): Uncertain significance (1 of 4 stars; one submission).

Conditions:
Menkes kinky-hair syndrome (MNK). Also called: Copper transport disease; Menkes Disease; Classic Menkes Disease. Identifiers: Orphanet 565, MedGen C0022716, MONDO:0010651, OMIM 309400.
Cutis laxa, X-linked (OHS). Also called: EDS IX; Occipital horn syndrome. Identifiers: Orphanet 198, MedGen C0268353, MONDO:0010572, OMIM 304150.
X-linked distal spinal muscular atrophy type 3. Also called: ATP7A-Related Distal Motor Neuropathy; SPINAL MUSCULAR ATROPHY, DISTAL, X-LINKED RECESSIVE; NEURONOPATHY, DISTAL HEREDITARY MOTOR, X-LINKED; NEUROPATHY, DISTAL HEREDITARY MOTOR, X-LINKED. Identifiers: Orphanet 139557, MedGen C1845359, MONDO:0010338, OMIM 300489.

Allele frequency attached by ClinVar (database versions not stated): gnomAD exomes below 0.00001.
gnomAD v4.1: 1 of 1,208,920 alleles (0.000083%); highest among the groups gnomAD compares: Non-Finnish European, 0.00011%; no homozygotes.

Submission:

Labcorp Genetics (formerly Invitae), Labcorp
Classification: Uncertain significance for X-linked distal spinal muscular atrophy type 3; Cutis laxa, X-linked; Menkes kinky-hair syndrome. Last evaluated: 2023-03-08. Review status: criteria provided, single submitter. Criteria: Invitae Variant Classification Sherloc (09022015). Collection method: clinical testing. Allele origin: germline.
Comment: This sequence change replaces isoleucine, which is neutral and non-polar, with methionine, which is neutral and non-polar, at codon 537 of the ATP7A protein (p.Ile537Met). This variant is not present in population databases (gnomAD no frequency). In summary, the available evidence is currently insufficient to determine the role of this variant in disease. Therefore, it has been classified as a Variant of Uncertain Significance. Advanced modeling of protein sequence and biophysical properties (such as structural, functional, and spatial information, amino acid conservation, physicochemical variation, residue mobility, and thermodynamic stability) performed at Invitae indicates that this missense variant is not expected to disrupt ATP7A protein function. This variant has not been reported in the literature in individuals affected with ATP7A-related conditions.

NM_000052.7(ATP7A):c.1611A>G (p.Ile537Met)

Gene: ATP7A (ATPase copper transporting alpha; plus strand). Cytogenetic location: Xq21.1.
Variant type: single nucleotide variant.
Coding change: c.1611A>G on transcript NM_000052.7 (MANE Select); coding-DNA position 1611, A replaced by G.
Protein change: p.Ile537Met; replaces isoleucine 537 with methionine.
Molecular consequence: missense variant.
Genome position (GRCh38, 1-based): chrX:78,003,140, A>G. VCF-style: chrX-78003140-A-G. GRCh37 (hg19) VCF-style: chrX-77258637-A-G.
Other names: c.1611A>G, p.Ile537Met (NM_001282224.2); short protein forms I537M.
Identifiers: ClinVar variation 2928221 (VCV002928221.3), dbSNP rs2522325581, ClinGen allele CA413595312.